The following is an entry in ClinVar:

NM_000059.4(BRCA2):c.3514T>A (p.Ser1172Thr)

Gene: BRCA2 (BRCA2 DNA repair associated; plus strand). Cytogenetic location: 13q13.1.
Variant type: single nucleotide variant.
Coding change: c.3514T>A on transcript NM_000059.4 (MANE Select); coding-DNA position 3514, T replaced by A.
Protein change: p.Ser1172Thr; replaces serine 1172 with threonine.
Molecular consequence: missense variant.
Genome position (GRCh38, 1-based): chr13:32,337,869, T>A. VCF-style: chr13-32337869-T-A. GRCh37 (hg19) VCF-style: chr13-32912006-T-A.
Other names: short protein forms S1172T.
Identifiers: ClinVar variation 972194 (VCV000972194.12), dbSNP rs1593899773, ClinGen allele CA387777014.

ClinVar aggregate classification (germline): Conflicting classifications of pathogenicity. Review status: criteria provided, conflicting classifications (1 of 4 stars). 3 submissions from 3 submitters: Uncertain significance (2); Likely benign (1). Last evaluated 2023-08-08.

Conditions:
Hereditary cancer-predisposing syndrome. Also called: Tumor predisposition; Hereditary Cancer Syndrome; Neoplastic Syndromes, Hereditary; Hereditary neoplastic syndrome. Identifiers: Orphanet 140162, MedGen C0027672, MeSH D009386, MONDO:0015356.
Hereditary breast ovarian cancer syndrome. Also called: Hereditary breast and ovarian cancer syndrome; Hereditary breast and ovarian cancer; Hereditary breast and ovarian cancer syndrome (HBOC); Hereditary breast and/or ovarian cancer syndrome; Breast and ovarian cancer; BRCA1- and BRCA2-Associated Hereditary Breast and Ovarian Cancer. Identifiers: Orphanet 145, MedGen C0677776, MeSH D061325, MONDO:0003582. Disease mechanism: loss of function.
Breast-ovarian cancer, familial, susceptibility to, 2 (BROVCA2). Also called: BRCA2 Hereditary Breast and Ovarian Cancer. Identifiers: Orphanet 145, MedGen C2675520, MONDO:0012933, OMIM 612555. Disease mechanism: loss of function.

Submissions (3):

All of Us Research Program, National Institutes of Health
Classification: Uncertain significance for Breast-ovarian cancer, familial, susceptibility to, 2. Last evaluated: 2023-08-08. Review status: criteria provided, single submitter. Criteria: ACMG Guidelines, 2015. Collection method: clinical testing. Allele origin: germline. Inheritance: Autosomal dominant inheritance. Observed: 1 variant allele, 1 heterozygote.
Comment: This missense variant replaces serine with threonine at codon 1172 of the BRCA2 protein. Computational prediction suggests that this variant may not impact protein structure and function (internally defined REVEL score threshold <= 0.5, PMID: 27666373). To our knowledge, functional studies have not been reported for this variant. This variant has not been reported in individuals affected with BRCA2-related disorders in the literature. This variant has not been identified in the general population by the Genome Aggregation Database (gnomAD). The available evidence is insufficient to determine the role of this variant in disease conclusively. Therefore, this variant is classified as a Variant of Uncertain Significance.

This study involves interpretation of variants in research participants for the purpose of population health screening. Participant phenotype was not available at the time of variant classification. Additional details can be found in publication PMID: 35346344, PMCID: PMC8962531

University of Washington Department of Laboratory Medicine, University of Washington
Classification: Likely benign for Hereditary cancer-predisposing syndrome. Last evaluated: 2023-03-23. Review status: criteria provided, single submitter. Criteria: Dines et al. (Genet Med. 2020). Collection method: curation. Allele origin: germline.
Comment: Missense variant in a coldspot region where missense variants are very unlikely to be pathogenic (PMID:31911673).

BRCA2 exon 11 coldspot. Reclassification based on statistical prior probability.

Labcorp Genetics (formerly Invitae), Labcorp
Classification: Uncertain significance for Hereditary breast ovarian cancer syndrome. Last evaluated: 2019-10-23. Review status: criteria provided, single submitter. Criteria: Invitae Variant Classification Sherloc (09022015). Collection method: clinical testing. Allele origin: germline.
Comment: In summary, the available evidence is currently insufficient to determine the role of this variant in disease. Therefore, it has been classified as a Variant of Uncertain Significance. Algorithms developed to predict the effect of missense changes on protein structure and function are either unavailable or do not agree on the potential impact of this missense change (SIFT: "Tolerated"; PolyPhen-2: "Possibly Damaging"; Align-GVGD: "Class C0"). This variant has not been reported in the literature in individuals with BRCA2-related conditions. This variant is not present in population databases (ExAC no frequency). This sequence change replaces serine with threonine at codon 1172 of the BRCA2 protein (p.Ser1172Thr). The serine residue is moderately conserved and there is a small physicochemical difference between serine and threonine.